The following is an entry in ClinVar:

ClinVar aggregate classification (germline): Uncertain significance. Review status: criteria provided, multiple submitters, no conflicts (2 of 4 stars). 2 submissions from 2 submitters: Uncertain significance (2). Last evaluated 2024-08-23.

Conditions:
Familial isolated arrhythmogenic right ventricular dysplasia. Identifiers: Orphanet 217656, MedGen C4274968, MONDO:0016342.
Cardiomyopathy (CMYO). Also called: Cardiomyopathies. Identifiers: Orphanet 167848, MedGen C0878544, MONDO:0004994, HP:0001638. Inheritance: Various modes of inheritance.

Submissions (2):

All of Us Research Program, National Institutes of Health
Classification: Uncertain significance for Familial isolated arrhythmogenic right ventricular dysplasia. Last evaluated: 2024-08-23. Review status: criteria provided, single submitter. Criteria: ACMG Guidelines, 2015. Collection method: clinical testing. Allele origin: germline. Inheritance: Autosomal dominant inheritance. Observed: 1 variant allele, 1 heterozygote.
Comment: This missense variant replaces alanine with serine at codon 138 of the DSC2 protein. Computational prediction suggests that this variant may not impact protein structure and function (internally defined REVEL score threshold <= 0.5, PMID: 27666373). To our knowledge, functional studies have not been reported for this variant. This variant has not been reported in individuals affected with cardiovascular disorders in the literature. This variant has not been identified in the general population by the Genome Aggregation Database (gnomAD). The available evidence is insufficient to determine the role of this variant in disease conclusively. Therefore, this variant is classified as a Variant of Uncertain Significance.

This study involves interpretation of variants in research participants for the purpose of population health screening. Participant phenotype was not available at the time of variant classification. Additional details can be found in publication PMID: 35346344, PMCID: PMC8962531

Color Diagnostics, LLC DBA Color Health
Classification: Uncertain significance for Cardiomyopathy. Last evaluated: 2024-03-06. Review status: criteria provided, single submitter. Criteria: ACMG Guidelines, 2015. Collection method: clinical testing. Allele origin: germline.
Comment: This missense variant replaces alanine with serine at codon 138 of the DSC2 protein. Computational prediction suggests that this variant may not impact protein structure and function (internally defined REVEL score threshold <= 0.5, PMID: 27666373). To our knowledge, functional studies have not been reported for this variant. This variant has not been reported in individuals affected with cardiovascular disorders in the literature. This variant has not been identified in the general population by the Genome Aggregation Database (gnomAD). The available evidence is insufficient to determine the role of this variant in disease conclusively. Therefore, this variant is classified as a Variant of Uncertain Significance.

NM_024422.6(DSC2):c.412G>T (p.Ala138Ser)

Gene: DSC2 (desmocollin 2; minus strand). Cytogenetic location: 18q12.1.
Variant type: single nucleotide variant.
Coding change: c.412G>T on transcript NM_024422.6 (MANE Select); coding-DNA position 412, G replaced by T.
Protein change: p.Ala138Ser; replaces alanine 138 with serine.
Molecular consequence: missense variant.
Genome position (GRCh38, 1-based): chr18:31,091,090, C>A on the plus strand (G>T on the coding strand, the complement: DSC2 is on the minus strand). VCF-style: chr18-31091090-C-A. GRCh37 (hg19) VCF-style: chr18-28671053-C-A.
Other names: c.412G>T, p.Ala138Ser (NM_004949.5); short protein forms A138S.
Identifiers: ClinVar variation 1172419 (VCV001172419.4), dbSNP rs1405349273, ClinGen allele CA402114294.